The following is an entry in ClinVar:

ClinVar aggregate classification (germline): Uncertain significance. Review status: criteria provided, multiple submitters, no conflicts (2 of 4 stars). 3 submissions from 3 submitters: Uncertain significance (3). Last evaluated 2024-05-28.

Conditions:
Inborn genetic diseases. Identifiers: MedGen C0950123, MeSH D030342.

Allele frequency attached by ClinVar (database versions not stated): ExAC 0.00003; gnomAD exomes 0.00004; TOPMed 0.00004; gnomAD 0.00005; ESP Exome Variant Server 0.00015; 1000 Genomes Project 30x 0.00016; 1000 Genomes Project 0.00020.
gnomAD v4.1: 69 of 1,614,194 alleles (0.0043%); highest among the groups gnomAD compares: East Asian, 0.011%; no homozygotes.

Submissions (3):

Ambry Genetics
Classification: Uncertain significance for Inborn genetic diseases. Last evaluated: 2024-05-28. Review status: criteria provided, single submitter. Criteria: Ambry Variant Classification Scheme 2023. Collection method: clinical testing. Allele origin: germline.

Blueprint Genetics
Classification: Uncertain significance. Last evaluated: 2024-04-16. Review status: criteria provided, single submitter. Criteria: ACMG Guidelines, 2015. Collection method: clinical testing. Allele origin: germline.

Labcorp Genetics (formerly Invitae), Labcorp
Classification: Uncertain significance. Last evaluated: 2022-05-28. Review status: criteria provided, single submitter. Criteria: Invitae Variant Classification Sherloc (09022015). Collection method: clinical testing. Allele origin: germline.
Comment: This sequence change replaces serine, which is neutral and polar, with leucine, which is neutral and non-polar, at codon 445 of the DENND5A protein (p.Ser445Leu). This variant is present in population databases (rs148944247, gnomAD 0.01%). This variant has not been reported in the literature in individuals affected with DENND5A-related conditions. Algorithms developed to predict the effect of missense changes on protein structure and function (SIFT, PolyPhen-2, Align-GVGD) all suggest that this variant is likely to be tolerated. In summary, the available evidence is currently insufficient to determine the role of this variant in disease. Therefore, it has been classified as a Variant of Uncertain Significance.

NM_015213.4(DENND5A):c.1334C>T (p.Ser445Leu)

Gene: DENND5A (DENN domain containing 5A; minus strand). Cytogenetic location: 11p15.4.
Variant type: single nucleotide variant.
Coding change: c.1334C>T on transcript NM_015213.4 (MANE Select); coding-DNA position 1334, C replaced by T.
Protein change: p.Ser445Leu; replaces serine 445 with leucine.
Molecular consequence: missense variant. On other transcripts: non-coding transcript variant (1).
Genome position (GRCh38, 1-based): chr11:9,180,888, G>A on the plus strand (C>T on the coding strand, the complement: DENND5A is on the minus strand). VCF-style: chr11-9180888-G-A. GRCh37 (hg19) VCF-style: chr11-9202435-G-A.
Other names: c.1334C>T, p.Ser445Leu (NM_001243254.2, NM_001348748.1); c.1262C>T, p.Ser421Leu (NM_001348749.2); c.1046C>T, p.Ser349Leu (NM_001348750.2); c.1334C>T (NM_015213.3); short protein forms S445L, S421L, S349L.
Identifiers: ClinVar variation 1912634 (VCV001912634.4), dbSNP rs148944247, ClinGen allele CA5877632.
Genomic context (GRCh38, chr11:9,180,888, plus strand): 5'-TCCTTAAGAAGCTCGTAGGAATGCAAAGGGGAGCCAGCAATGTTCCCATTCCTCTTGTCC[G>A]AGACAAGCTCAGAGGCCCGCAGCCTCTTCAGCTTGGAGGCACTCTCACTGCAATGAAGAT-3'
Protein context (NP_056028.2, residues 435-455): LKRLRASELV[Ser445Leu]DKRNGNIAGS